The following is an entry in ClinVar:

NM_002382.5(MAX):c.335A>G (p.Gln112Arg)

Gene: MAX (MYC associated transcriptional regulator X; minus strand). Cytogenetic location: 14q23.3.
Variant type: single nucleotide variant.
Coding change: c.335A>G on transcript NM_002382.5 (MANE Select); coding-DNA position 335, A replaced by G.
Protein change: p.Gln112Arg; replaces glutamine 112 with arginine.
Molecular consequence: missense variant. On other transcripts: 3 prime UTR variant (1), intron variant (2).
Genome position (GRCh38, 1-based): chr14:65,076,624, T>C on the plus strand (A>G on the coding strand, the complement: MAX is on the minus strand). VCF-style: chr14-65076624-T-C. GRCh37 (hg19) VCF-style: chr14-65543342-T-C.
Other names: c.146A>G, p.Gln49Arg (NM_001320415.2, NM_001407105.1, NM_001407106.1 and 1 more transcripts); c.335A>G, p.Gln112Arg (NM_001407094.1); c.308A>G, p.Gln103Arg (NM_001407095.1, NM_145112.3); c.*108A>G (NM_001407096.1, NM_001407099.1, NM_001407102.1 and 2 more transcripts); c.*124A>G (NM_001407097.1, NM_001407100.1, NM_001407101.1 and 4 more transcripts); c.227A>G, p.Gln76Arg (NM_001407098.1); c.134A>G, p.Gln45Arg (NM_001407111.1, NM_001407112.1); c.144+17084A>G (NM_001271069.2); and 1 more; short protein forms Q112R, Q103R, Q49R, Q45R, Q76R.
Identifiers: ClinVar variation 1523177 (VCV001523177.9), dbSNP rs1234074950, ClinGen allele CA390031859.

ClinVar aggregate classification (germline): Uncertain significance (1 of 4 stars; one submission).

Conditions:
Hereditary pheochromocytoma and paraganglioma. Also called: Hereditary paragangliomas and pheochromocytomas; Hereditary Paraganglioma-Pheochromocytoma Syndromes; Hereditary pheochromocytoma-paraganglioma. Identifiers: Orphanet 29072, MedGen C4274332, MONDO:0017366.

Submission:

Labcorp Genetics (formerly Invitae), Labcorp
Classification: Uncertain significance for Hereditary pheochromocytoma and paraganglioma. Last evaluated: 2025-07-14. Review status: criteria provided, single submitter. Criteria: Invitae Variant Classification Sherloc (09022015). Collection method: clinical testing. Allele origin: germline.
Comment: This sequence change replaces glutamine, which is neutral and polar, with arginine, which is basic and polar, at codon 112 of the MAX protein (p.Gln112Arg). This variant is not present in population databases (gnomAD no frequency). This variant has not been reported in the literature in individuals affected with MAX-related conditions. ClinVar contains an entry for this variant (Variation ID: 1523177). An algorithm developed to predict the effect of missense changes on protein structure and function (PolyPhen-2) suggests that this variant is likely to be tolerated. In summary, the available evidence is currently insufficient to determine the role of this variant in disease. Therefore, it has been classified as a Variant of Uncertain Significance.